The following is an entry in ClinVar:

ClinVar aggregate classification (germline): Likely pathogenic (1 of 4 stars; one submission).

Conditions:
Lysinuric protein intolerance (LPI). Identifiers: Orphanet 470, MedGen C0268647, MONDO:0009109, OMIM 222700.

gnomAD v4.1: 6 of 1,612,862 alleles (0.00037%); highest among the groups gnomAD compares: Middle Eastern, 0.05%; no homozygotes.

Submission:

Dubai Health Genomic Medicine Center, Dubai Health
Classification: Likely pathogenic for Lysinuric protein intolerance. Last evaluated: 2024-10-04. Review status: criteria provided, single submitter. Criteria: ACMG Guidelines, 2015. Collection method: research. Allele origin: germline. Affected: yes.
Comment: PVS1,PM2

NM_003982.4(SLC7A7):c.499+1G>C

Gene: SLC7A7 (solute carrier family 7 member 7; minus strand). Cytogenetic location: 14q11.2.
Variant type: single nucleotide variant.
Coding change: c.499+1G>C on transcript NM_003982.4 (MANE Select); the canonical splice donor site of the intron after coding-DNA position 499, G replaced by C.
Molecular consequence: splice donor variant.
Genome position (GRCh38, 1-based): chr14:22,812,899, C>G on the plus strand (G>C on the coding strand, the complement: SLC7A7 is on the minus strand). VCF-style: chr14-22812899-C-G. GRCh37 (hg19) VCF-style: chr14-23282108-C-G.
Other names: c.499+1G>C (NM_001126106.4, NM_001126105.3).
Identifiers: ClinVar variation 3383994 (VCV003383994.1).
Genomic context (GRCh38, chr14:22,812,899, plus strand): 5'-ACTCACATCCCAGCCTCTGTCCAGCCCTCCACCCACCACCTCCTACCCCAGCCCCACTTA[C>G]AAATGCAGGCAGCAGCCAGCAGGCGGCTGGCAGCATAAGGGGCGAAGCAGCTCGGGAAGA-3'